The following is an entry in ClinVar:

NM_003673.4(TCAP):c.460C>T (p.Arg154Cys)

Gene: TCAP (titin-cap; plus strand). Cytogenetic location: 17q12.
Variant type: single nucleotide variant.
Coding change: c.460C>T on transcript NM_003673.4 (MANE Select); coding-DNA position 460, C replaced by T.
Protein change: p.Arg154Cys; replaces arginine 154 with cysteine.
Molecular consequence: missense variant.
Genome position (GRCh38, 1-based): chr17:39,666,065, C>T. VCF-style: chr17-39666065-C-T. GRCh37 (hg19) VCF-style: chr17-37822318-C-T.
Other names: p.Arg154Cys; short protein forms R154C.
Identifiers: ClinVar variation 283220 (VCV000283220.28), dbSNP rs755539784, ClinGen allele CA8532915.

ClinVar aggregate classification (germline): Uncertain significance. Review status: criteria provided, multiple submitters, no conflicts (2 of 4 stars). 9 submissions from 9 submitters: Uncertain significance (9). Last evaluated 2026-01-11.

Conditions:
Primary familial hypertrophic cardiomyopathy (HCM). Identifiers: Orphanet 99739, MedGen C0949658, MeSH D024741, MONDO:0024573. Inheritance: Various modes of inheritance.
Hypertrophic cardiomyopathy 25 (CMH25). Also called: CARDIOMYOPATHY, FAMILIAL HYPERTROPHIC, 25. Identifiers: MedGen C4225408, MONDO:0011843, OMIM 607487.
TCAP-related disorder. Also called: TCAP-related condition.
Cardiomyopathy (CMYO). Also called: Cardiomyopathies. Identifiers: Orphanet 167848, MedGen C0878544, MONDO:0004994, HP:0001638. Inheritance: Various modes of inheritance.
Cardiovascular phenotype. Identifiers: MedGen CN230736.

Allele frequency attached by ClinVar (database versions not stated): gnomAD exomes 0.00003 and 0.00006; ExAC 0.00004; gnomAD 0.00004; TOPMed 0.00005.

Submissions (9):

Labcorp Genetics (formerly Invitae), Labcorp
Classification: Uncertain significance for Hypertrophic cardiomyopathy 25; Primary familial hypertrophic cardiomyopathy. Last evaluated: 2026-01-11. Review status: criteria provided, single submitter. Criteria: Invitae Variant Classification Sherloc (09022015). Collection method: clinical testing. Allele origin: germline.
Comment: This sequence change replaces arginine, which is basic and polar, with cysteine, which is neutral and slightly polar, at codon 154 of the TCAP protein (p.Arg154Cys). This variant is present in population databases (rs755539784, gnomAD 0.005%). This missense change has been observed in individual(s) with limb–girdle muscular weakness (PMID: 39678382). ClinVar contains an entry for this variant (Variation ID: 283220). An algorithm developed to predict the effect of missense changes on protein structure and function (PolyPhen-2) suggests that this variant is likely to be tolerated. In summary, the available evidence is currently insufficient to determine the role of this variant in disease. Therefore, it has been classified as a Variant of Uncertain Significance.

Ambry Genetics
Classification: Uncertain significance for Cardiovascular phenotype. Last evaluated: 2025-10-05. Review status: criteria provided, single submitter. Criteria: Ambry Variant Classification Scheme 2023. Collection method: clinical testing. Allele origin: germline.
Comment: The p.R154C variant (also known as c.460C>T), located in coding exon 2 of the TCAP gene, results from a C to T substitution at nucleotide position 460. The arginine at codon 154 is replaced by cysteine, an amino acid with highly dissimilar properties. This amino acid position is well conserved in available vertebrate species. In addition, the in silico prediction for this alteration is inconclusive. Since supporting evidence is limited at this time, the clinical significance of this alteration remains unclear.

PreventionGenetics, part of Exact Sciences
Classification: Uncertain significance for TCAP-related condition. Last evaluated: 2025-09-24. Review status: criteria provided, single submitter. Criteria: ACMG Guidelines, 2015. Collection method: clinical testing. Allele origin: germline.
Comment: The TCAP c.460C>T variant is predicted to result in the amino acid substitution p.Arg154Cys. This variant has been reported as a variant of uncertain significance in a cohort of individuals referred for genetic testing of cardiomyopathy and/or arrhythmia; however, detailed clinical information was not available (Supplement 2, Dellefave-Castillo et al. 2022. PubMed ID: 35947370). This variant is reported in 0.0050% of alleles in individuals of East Asian descent in gnomAD. At this time, the clinical significance of this variant is uncertain due to the absence of conclusive functional and genetic evidence.

Mayo Clinic Laboratories, Mayo Clinic
Classification: Uncertain significance. Last evaluated: 2025-08-18. Review status: criteria provided, single submitter. Criteria: ACMG Guidelines, 2015. Collection method: clinical testing. Allele origin: germline. Observed: 1 variant allele.
Comment: BP5, PM2_supporting

GeneDx
Classification: Uncertain significance. Last evaluated: 2024-08-19. Review status: criteria provided, single submitter. Criteria: GeneDx Variant Classification Process June 2021. Collection method: clinical testing. Allele origin: germline. Affected: yes.
Comment: Has been reported in an individual with a developmental disorder who also harbored variants in other genes (PMID: 33057194); Within the minK interaction domain (PMID: 16490376); In silico analysis supports that this missense variant has a deleterious effect on protein structure/function; Missense variants in this gene are a common cause of disease and they are underrepresented in the general population; This variant is associated with the following publications: (PMID: 16490376, 33057194, 35982159, Anand2019[Computational], 30681346)

Revvity Omics, Revvity
Classification: Uncertain significance. Last evaluated: 2020-10-15. Review status: criteria provided, single submitter. Criteria: ACMG Guidelines, 2015. Collection method: clinical testing. Allele origin: germline.

Baylor Genetics
Classification: Uncertain significance for Hypertrophic cardiomyopathy 25. Last evaluated: 2019-10-29. Review status: criteria provided, single submitter. Criteria: ACMG Guidelines, 2015. Collection method: clinical testing. Allele origin: unknown. Affected: yes.
Comment: This variant was determined to be of uncertain significance according to ACMG Guidelines, 2015 [PMID:25741868].

CHEO Genetics Diagnostic Laboratory, Children's Hospital of Eastern Ontario
Classification: Uncertain significance for Cardiomyopathy. Last evaluated: 2017-01-19. Review status: criteria provided, single submitter. Criteria: ACMG Guidelines, 2015. Collection method: clinical testing. Allele origin: germline. Study: Canadian Open Genetics Repository.

Eurofins Ntd Llc (ga)
Classification: Uncertain significance. Last evaluated: 2015-09-09. Review status: criteria provided, single submitter. Criteria: EGL Classification Definitions 2015. Collection method: clinical testing. Allele origin: germline. Observed: 1 variant allele, 1 heterozygote.

Literature cited by the submitters: PubMed 39678382 (cited by Labcorp Genetics (formerly Invitae), Labcorp and Mayo Clinic Laboratories, Mayo Clinic); PubMed 30681346 (cited by Mayo Clinic Laboratories, Mayo Clinic); PubMed 33057194 (cited by Mayo Clinic Laboratories, Mayo Clinic); PubMed 35982159 (cited by Mayo Clinic Laboratories, Mayo Clinic).